The following is an entry in ClinVar:

NM_001042492.3(NF1):c.1984A>G (p.Lys662Glu)

Gene: NF1 (neurofibromin 1; plus strand). Cytogenetic location: 17q11.2.
Variant type: single nucleotide variant.
Coding change: c.1984A>G on transcript NM_001042492.3 (MANE Select); coding-DNA position 1984, A replaced by G.
Protein change: p.Lys662Glu; replaces lysine 662 with glutamic acid.
Molecular consequence: missense variant.
Genome position (GRCh38, 1-based): chr17:31,225,233, A>G. VCF-style: chr17-31225233-A-G. GRCh37 (hg19) VCF-style: chr17-29552251-A-G.
Other names: c.1984A>G, p.Lys662Glu (NM_000267.4); short protein forms K662E.
Identifiers: ClinVar variation 820447 (VCV000820447.9), dbSNP rs1597710793, ClinGen allele CA399005593.
Genomic context (GRCh38, chr17:31,225,233, plus strand): 5'-CAAATGTCCATGGATCATGAAGAATTACTACGTACTCCTGGAGCCTCTCTCCGGAAGGGA[A>G]AAGGGAACTCCTCTATGGTCAGCTTCTTCTGTACTTTTTCTGTATCATTTTATGTGCTCT-3'
Protein context (NP_001035957.1, residues 652-672): RTPGASLRKG[Lys662Glu]GNSSMDSAAG

ClinVar aggregate classification (germline): Uncertain significance. Review status: criteria provided, multiple submitters, no conflicts (2 of 4 stars). 2 submissions from 2 submitters: Uncertain significance (2). Last evaluated 2024-06-14.

Conditions:
Hereditary cancer-predisposing syndrome. Also called: Hereditary Cancer Syndrome; Neoplastic Syndromes, Hereditary; Hereditary neoplastic syndrome; Tumor predisposition. Identifiers: Orphanet 140162, MedGen C0027672, MeSH D009386, MONDO:0015356.
Cardiovascular phenotype. Identifiers: MedGen CN230736.
Neurofibromatosis, type 1 (NF1). Also called: Peripheral type neurofibromatosis; Neurofibromatosis, type I; NEUROFIBROMATOSIS, TYPE I, SOMATIC; VON RECKLINGHAUSEN DISEASE. Identifiers: Orphanet 636, MedGen C0027831, MONDO:0018975, OMIM 162200. Disease mechanism: loss of function.

Submissions (2):

Labcorp Genetics (formerly Invitae), Labcorp
Classification: Uncertain significance for Neurofibromatosis, type 1. Last evaluated: 2024-06-14. Review status: criteria provided, single submitter. Criteria: Invitae Variant Classification Sherloc (09022015). Collection method: clinical testing. Allele origin: germline.
Comment: This sequence change replaces lysine, which is basic and polar, with glutamic acid, which is acidic and polar, at codon 662 of the NF1 protein (p.Lys662Glu). This variant is not present in population databases (gnomAD no frequency). This variant has not been reported in the literature in individuals affected with NF1-related conditions. ClinVar contains an entry for this variant (Variation ID: 820447). Advanced modeling of protein sequence and biophysical properties (such as structural, functional, and spatial information, amino acid conservation, physicochemical variation, residue mobility, and thermodynamic stability) performed at Invitae indicates that this missense variant is not expected to disrupt NF1 protein function with a negative predictive value of 95%. In summary, the available evidence is currently insufficient to determine the role of this variant in disease. Therefore, it has been classified as a Variant of Uncertain Significance.

Ambry Genetics
Classification: Uncertain significance for Cardiovascular phenotype; Hereditary cancer-predisposing syndrome. Last evaluated: 2018-09-07. Review status: criteria provided, single submitter. Criteria: Ambry Variant Classification Scheme 2023. Collection method: clinical testing. Allele origin: germline.